The following is an entry in ClinVar:

NM_005228.5(EGFR):c.3116G>A (p.Ser1039Asn)

Gene: EGFR (epidermal growth factor receptor; plus strand). Cytogenetic location: 7p11.2.
Variant type: single nucleotide variant.
Coding change: c.3116G>A on transcript NM_005228.5 (MANE Select); coding-DNA position 3116, G replaced by A.
Protein change: p.Ser1039Asn; replaces serine 1039 with asparagine.
Molecular consequence: missense variant.
Genome position (GRCh38, 1-based): chr7:55,201,736, G>A. VCF-style: chr7-55201736-G-A. GRCh37 (hg19) VCF-style: chr7-55269429-G-A.
Other names: c.2981G>A, p.Ser994Asn (NM_001346897.2, NM_001346899.2); c.3116G>A, p.Ser1039Asn (NM_001346898.2); c.2957G>A, p.Ser986Asn (NM_001346900.2); c.2315G>A, p.Ser772Asn (NM_001346941.2); short protein forms S772N, S986N, S1039N, S994N.
Identifiers: ClinVar variation 3004757 (VCV003004757.4), dbSNP rs2128972470, ClinGen allele CA367582863.

ClinVar aggregate classification (germline): Uncertain significance. Review status: criteria provided, multiple submitters, no conflicts (2 of 4 stars). 2 submissions from 2 submitters: Uncertain significance (2). Last evaluated 2025-09-27.

Conditions:
Hereditary cancer-predisposing syndrome. Also called: Hereditary Cancer Syndrome; Neoplastic Syndromes, Hereditary; Tumor predisposition; Hereditary neoplastic syndrome. Identifiers: Orphanet 140162, MedGen C0027672, MeSH D009386, MONDO:0015356.
EGFR-related lung cancer (EGFR). Identifiers: MedGen CN130014.

Submissions (2):

Ambry Genetics
Classification: Uncertain significance for Hereditary cancer-predisposing syndrome. Last evaluated: 2025-09-27. Review status: criteria provided, single submitter. Criteria: Ambry Variant Classification Scheme 2023. Collection method: clinical testing. Allele origin: germline.
Comment: The p.S1039N variant (also known as c.3116G>A), located in coding exon 26 of the EGFR gene, results from a G to A substitution at nucleotide position 3116. The serine at codon 1039 is replaced by asparagine, an amino acid with highly similar properties. This amino acid position is conserved. In addition, this alteration is predicted to be tolerated by in silico analysis. Based on the available evidence, the clinical significance of this variant remains unclear.

Labcorp Genetics (formerly Invitae), Labcorp
Classification: Uncertain significance for EGFR-related lung cancer. Last evaluated: 2023-09-18. Review status: criteria provided, single submitter. Criteria: Invitae Variant Classification Sherloc (09022015). Collection method: clinical testing. Allele origin: germline.
Comment: This variant is not present in population databases (gnomAD no frequency). This sequence change replaces serine, which is neutral and polar, with asparagine, which is neutral and polar, at codon 1039 of the EGFR protein (p.Ser1039Asn). This variant has not been reported in the literature in individuals affected with EGFR-related conditions. An algorithm developed to predict the effect of missense changes on protein structure and function (PolyPhen-2) suggests that this variant is likely to be disruptive. In summary, the available evidence is currently insufficient to determine the role of this variant in disease. Therefore, it has been classified as a Variant of Uncertain Significance.